The following is an entry in ClinVar:

NM_002386.4(MC1R):c.541G>C (p.Ala181Pro)

Gene: MC1R (melanocortin 1 receptor; plus strand). Cytogenetic location: 16q24.3.
Variant type: single nucleotide variant.
Coding change: c.541G>C on transcript NM_002386.4 (MANE Select); coding-DNA position 541, G replaced by C.
Protein change: p.Ala181Pro; replaces alanine 181 with proline.
Molecular consequence: missense variant.
Genome position (GRCh38, 1-based): chr16:89,919,799, G>C. VCF-style: chr16-89919799-G-C. GRCh37 (hg19) VCF-style: chr16-89986207-G-C.
Other names: short protein forms A181P.
Identifiers: ClinVar variation 2906614 (VCV002906614.3), dbSNP rs763647934, ClinGen allele CA397461785.

ClinVar aggregate classification (germline): Uncertain significance (1 of 4 stars; one submission).

Conditions:
Melanoma, cutaneous malignant, susceptibility to, 5. Also called: Cutaneous malignant melanoma 5. Identifiers: Orphanet 618, MedGen C2751295, MONDO:0013133, OMIM 613099.

Submission:

Labcorp Genetics (formerly Invitae), Labcorp
Classification: Uncertain significance for Melanoma, cutaneous malignant, susceptibility to, 5. Last evaluated: 2023-01-03. Review status: criteria provided, single submitter. Criteria: Invitae Variant Classification Sherloc (09022015). Collection method: clinical testing. Allele origin: germline.
Comment: This variant is not present in population databases (gnomAD no frequency). Advanced modeling of protein sequence and biophysical properties (such as structural, functional, and spatial information, amino acid conservation, physicochemical variation, residue mobility, and thermodynamic stability) performed at Invitae indicates that this missense variant is not expected to disrupt MC1R protein function. In summary, the available evidence is currently insufficient to determine the role of this variant in disease. Therefore, it has been classified as a Variant of Uncertain Significance. This variant has not been reported in the literature in individuals affected with MC1R-related conditions. This sequence change replaces alanine, which is neutral and non-polar, with proline, which is neutral and non-polar, at codon 181 of the MC1R protein (p.Ala181Pro).